The following is an entry in ClinVar:

NM_001035.3(RYR2):c.1876C>T (p.Arg626Cys)

Gene: RYR2 (ryanodine receptor 2; plus strand). Cytogenetic location: 1q43.
Variant type: single nucleotide variant.
Coding change: c.1876C>T on transcript NM_001035.3 (MANE Select); coding-DNA position 1876, C replaced by T.
Protein change: p.Arg626Cys; replaces arginine 626 with cysteine.
Molecular consequence: missense variant.
Genome position (GRCh38, 1-based): chr1:237,493,002, C>T. VCF-style: chr1-237493002-C-T. GRCh37 (hg19) VCF-style: chr1-237656302-C-T.
Other names: c.1876C>T (NM_001035.2); short protein forms R626C.
Identifiers: ClinVar variation 3623525 (VCV003623525.4).
Genomic context (GRCh38, chr1:237,493,002, plus strand): 5'-TTCTCTTTTCAGGTTCTGGATGTCTTGTGCTCACTCTGTGTTTGCCACGGGGTTGCAGTC[C>T]GTTCTAACCAGCATCTCATCTGTGACAATCTCCTACCAGGAAGAGACTTGTTATTGCAGA-3'
Protein context (NP_001026.2, residues 616-636): SLCVCHGVAV[Arg626Cys]SNQHLICDNL

ClinVar aggregate classification (germline): Uncertain significance. Review status: criteria provided, multiple submitters, no conflicts (2 of 4 stars). 2 submissions from 2 submitters: Uncertain significance (2). Last evaluated 2025-05-01.

Conditions:
Catecholaminergic polymorphic ventricular tachycardia 1. Also called: VENTRICULAR TACHYCARDIA, CATECHOLAMINERGIC POLYMORPHIC, 1, WITH OR WITHOUT ATRIAL DYSFUNCTION AND/OR DILATED CARDIOMYOPATHY; RYR2-Related Catecholaminergic Polymorphic Ventricular Tachycardia; VENTRICULAR TACHYCARDIA, STRESS-INDUCED POLYMORPHIC 1. Identifiers: Orphanet 3286, MedGen C1631597, MONDO:0011484, OMIM 604772.

gnomAD v4.1: 4 of 1,610,320 alleles (0.00025%); highest among the groups gnomAD compares: East Asian, 0.0022%; no homozygotes.

Submissions (2):

GeneDx
Classification: Uncertain significance. Last evaluated: 2025-05-01. Review status: criteria provided, single submitter. Criteria: GeneDx Variant Classification Process June 2021. Collection method: clinical testing. Allele origin: germline.
Comment: Not observed at significant frequency in large population cohorts (gnomAD); In silico analysis supports that this missense variant has a deleterious effect on protein structure/function; Not located in one of the three hot-spot regions of the RYR2 gene, where the majority of pathogenic missense variants occur (PMID: 19926015); Has not been previously published as pathogenic or benign to our knowledge; This variant is associated with the following publications: (PMID: 19926015)

Labcorp Genetics (formerly Invitae), Labcorp
Classification: Uncertain significance for Catecholaminergic polymorphic ventricular tachycardia 1. Last evaluated: 2024-05-07. Review status: criteria provided, single submitter. Criteria: Invitae Variant Classification Sherloc (09022015). Collection method: clinical testing. Allele origin: germline.
Comment: This sequence change replaces arginine, which is basic and polar, with cysteine, which is neutral and slightly polar, at codon 626 of the RYR2 protein (p.Arg626Cys). This variant is present in population databases (rs774694245, gnomAD 0.007%). This variant has not been reported in the literature in individuals affected with RYR2-related conditions. Advanced modeling of protein sequence and biophysical properties (such as structural, functional, and spatial information, amino acid conservation, physicochemical variation, residue mobility, and thermodynamic stability) performed at Invitae indicates that this missense variant is expected to disrupt RYR2 protein function with a positive predictive value of 95%. In summary, the available evidence is currently insufficient to determine the role of this variant in disease. Therefore, it has been classified as a Variant of Uncertain Significance.